The following is an entry in ClinVar:

NC_000006.11:g.129802434_(129802585_129807618)del

Gene: LAMA2 (laminin subunit alpha 2; plus strand).
Variant type: Deletion.
Identifiers: ClinVar variation 2501074 (VCV002501074.1).

ClinVar aggregate classification (germline): Likely pathogenic (1 of 4 stars; one submission).

Conditions:
LAMA2-related muscular dystrophy (LAMA2-RD). Also called: Laminin alpha 2-related dystrophy. Identifiers: MedGen C5679788, MONDO:0100228.

Submission:

Women's Health and Genetics/Laboratory Corporation of America, LabCorp
Classification: Likely pathogenic for LAMA2-related muscular dystrophy. Last evaluated: 2023-03-22. Review status: criteria provided, single submitter. Criteria: LabCorp Variant Classification Summary - May 2015. Collection method: clinical testing. Allele origin: germline.
Comment: Variant summary: The variant identified by MLPA or other technology involves the deletion of part of exon 55 in the LAMA2 gene. A presumed nomenclature of c.7599_(7749+1_7750-1)del has been designated for the purposes of this classification. Although exact breakpoints of this deletion are not known, it includes a canonical splice-site and is expected to lead to loss-of-function in the LAMA2 gene, a known mechanism of disease. The variant was absent in 21694 control chromosomes (gnomAD, Structural Variants dataset). To our knowledge, no occurrence of c.7599_(7749+1_7750-1)del in individuals affected with Laminin Alpha 2-Related Dystrophy and no experimental evidence demonstrating its impact on protein function have been reported. No clinical diagnostic laboratories have submitted clinical-significance assessments for this variant to ClinVar after 2014. Based on the evidence outlined above, the variant was classified as likely pathogenic.